The following is an entry in ClinVar:

NM_000388.4(CASR):c.1024T>G (p.Ser342Ala)

Gene: CASR (calcium sensing receptor; plus strand). Cytogenetic location: 3q21.1.
Variant type: single nucleotide variant.
Coding change: c.1024T>G on transcript NM_000388.4 (MANE Select); coding-DNA position 1024, T replaced by G.
Protein change: p.Ser342Ala; replaces serine 342 with alanine.
Molecular consequence: missense variant.
Genome position (GRCh38, 1-based): chr3:122,262,059, T>G. VCF-style: chr3-122262059-T-G. GRCh37 (hg19) VCF-style: chr3-121980906-T-G.
Other names: c.1024T>G, p.Ser342Ala (NM_001178065.2); short protein forms S342A.
Identifiers: ClinVar variation 4793219 (VCV004793219.1).
Genomic context (GRCh38, chr3:122,262,059, plus strand): 5'-CTGAAGGCTGGGCAGATCCCAGGCTTCCGGGAATTCCTGAAGAAGGTCCATCCCAGGAAG[T>G]CTGTCCACAATGGTTTTGCCAAGGAGTTTTGGGAAGAAACATTTAACTGCCACCTCCAAG-3'
Protein context (NP_000379.3, residues 332-352): EFLKKVHPRK[Ser342Ala]VHNGFAKEFW

ClinVar aggregate classification (germline): Uncertain significance (1 of 4 stars; one submission).

Conditions:
Familial hypocalciuric hypercalcemia (FHH). Also called: Familial benign hypercalcemia. Identifiers: Orphanet 405, MedGen C1809471, MONDO:0018458.
Autosomal dominant hypocalcemia 1 (HYPOC1). Also called: HYPOCALCEMIA, FAMILIAL. Identifiers: MedGen C3715128, MONDO:0011013, OMIM 601198.

Submission:

Labcorp Genetics (formerly Invitae), Labcorp
Classification: Uncertain significance for Familial hypocalciuric hypercalcemia; Autosomal dominant hypocalcemia 1. Last evaluated: 2025-12-01. Review status: criteria provided, single submitter. Criteria: Invitae Variant Classification Sherloc (09022015). Collection method: clinical testing. Allele origin: germline.
Comment: This sequence change replaces serine, which is neutral and polar, with alanine, which is neutral and non-polar, at codon 342 of the CASR protein (p.Ser342Ala). This variant is not present in population databases (gnomAD no frequency). This variant has not been reported in the literature in individuals affected with CASR-related conditions. An algorithm developed to predict the effect of missense changes on protein structure and function (PolyPhen-2) suggests that this variant is likely to be tolerated. In summary, the available evidence is currently insufficient to determine the role of this variant in disease. Therefore, it has been classified as a Variant of Uncertain Significance.